The following is an entry in ClinVar:

ClinVar aggregate classification (germline): Uncertain significance. Review status: criteria provided, multiple submitters, no conflicts (2 of 4 stars). 4 submissions from 4 submitters: Uncertain significance (4). Last evaluated 2026-05-13.

Conditions:
PLXNA1-related disorder. Also called: PLXNA1-related condition.
Dworschak-Punetha neurodevelopmental syndrome (DWOPNED). Identifiers: MedGen C5677017, MONDO:0859260, OMIM 619955.

Allele frequency attached by ClinVar (database versions not stated): gnomAD exomes 0.00004; ESP Exome Variant Server 0.00015; 1000 Genomes Project 30x 0.00016; TOPMed 0.00016; 1000 Genomes Project 0.00020.
gnomAD v4.1: 94 of 1,613,282 alleles (0.0058%); highest among the groups gnomAD compares: East Asian, 0.042%; no homozygotes.

Submissions (4):

PreventionGenetics, part of Exact Sciences
Classification: Uncertain significance for PLXNA1-related condition. Last evaluated: 2026-05-13. Review status: criteria provided, single submitter. Criteria: ACMG Guidelines, 2015. Collection method: clinical testing. Allele origin: germline.
Comment: The PLXNA1 c.3520C>T variant is predicted to result in the amino acid substitution p.Arg1174Trp. To our knowledge, this variant has not been reported in the literature. This variant is reported in 0.070% of alleles in individuals of East Asian descent in gnomAD, which may be too common to be an undocumented primary cause of disease. Although we suspect that this variant may be benign, at this time, the clinical significance of this variant is uncertain due to the absence of conclusive functional and genetic evidence.

Ambry Genetics
Classification: Uncertain significance. Last evaluated: 2025-09-26. Review status: criteria provided, single submitter. Criteria: Ambry Variant Classification Scheme 2023. Collection method: clinical testing. Allele origin: germline.

Genomic Medicine Center of Excellence, King Faisal Specialist Hospital and Research Centre
Classification: Uncertain significance for Dworschak-Punetha neurodevelopmental syndrome. Last evaluated: 2025-09-10. Review status: criteria provided, single submitter. Criteria: ACMG Guidelines, 2015. Collection method: clinical testing. Allele origin: germline.

Juno Genomics, Hangzhou Juno Genomics, Inc
Classification: Uncertain significance for Dworschak-Punetha neurodevelopmental syndrome. Review status: criteria provided, single submitter. Criteria: ACMG Guidelines, 2015. Collection method: clinical testing. Allele origin: germline.
Comment: Absent from controls (or at extremely low frequency if recessive) in Genome Aggregation Database.;Missense variant in a gene that has a low rate of benign missense variation.

NM_032242.4(PLXNA1):c.3520C>T (p.Arg1174Trp)

Gene: PLXNA1 (plexin A1; plus strand). Cytogenetic location: 3q21.3.
Variant type: single nucleotide variant.
Coding change: c.3520C>T on transcript NM_032242.4 (MANE Select); coding-DNA position 3520, C replaced by T.
Protein change: p.Arg1174Trp; replaces arginine 1174 with tryptophan.
Molecular consequence: missense variant.
Genome position (GRCh38, 1-based): chr3:127,017,752, C>T. VCF-style: chr3-127017752-C-T. GRCh37 (hg19) VCF-style: chr3-126736595-C-T.
Other names: short protein forms R1174W.
Identifiers: ClinVar variation 2367083 (VCV002367083.10), dbSNP rs371091022, ClinGen allele CA2594060.
Genomic context (GRCh38, chr3:127,017,752, plus strand): 5'-CCAAGCCAGGGAAGAGGCCCCTCGTCCTGGGCTCTGGCTCACCCCCATCTCCTACAGGGC[C>T]GGAACCTCTTGCCACCTGCACCCGGCAACTCCCGACTCAACTACACGGTGCTCATCGGCT-3'
Protein context (NP_115618.3, residues 1164-1184): KPSSPLILKG[Arg1174Trp]NLLPPAPGNS